The following is an entry in ClinVar:

ClinVar aggregate classification (germline): Conflicting classifications of pathogenicity. Review status: criteria provided, conflicting classifications (1 of 4 stars). 3 submissions from 3 submitters: Uncertain significance (2); Benign (1). Last evaluated 2025-09-10.

Conditions:
Intellectual developmental disorder, X-linked, syndromic 14. Also called: Syndromic X-linked intellectual disability 14. Identifiers: Orphanet 776, MedGen C1970822, MONDO:0010398, OMIM 300676.
Inborn genetic diseases. Identifiers: MedGen C0950123, MeSH D030342.

Allele frequency attached by ClinVar (database versions not stated): gnomAD 0.00002; gnomAD exomes 0.00012 and 0.00002; ExAC 0.00002; TOPMed 0.00003; ESP Exome Variant Server 0.00019.
gnomAD v4.1: 129 of 1,185,505 alleles (0.011%); highest among the groups gnomAD compares: Non-Finnish European, 0.014%; no homozygotes.

Submissions (3):

Labcorp Genetics (formerly Invitae), Labcorp
Classification: Benign for Intellectual developmental disorder, X-linked, syndromic 14. Last evaluated: 2025-09-10. Review status: criteria provided, single submitter. Criteria: Invitae Variant Classification Sherloc (09022015). Collection method: clinical testing. Allele origin: germline.

Victorian Clinical Genetics Services, Murdoch Childrens Research Institute
Classification: Uncertain significance for Intellectual developmental disorder, X-linked, syndromic 14. Last evaluated: 2022-02-02. Review status: criteria provided, single submitter. Criteria: ACMG Guidelines, 2015. Collection method: clinical testing. Allele origin: germline. Inheritance: X-linked recessive inheritance. Affected: yes.
Comment: Based on the classification scheme VCGS_Germline_v1.3.4, this variant is classified as VUS-3C. Following criteria are met: 0102 - Loss of function is a known mechanism of disease in this gene and is associated with UPF3B-related syndromic intellectual disability (MIM#300676). (I) 0109 - This gene is associated with X-linked recessive disease. Female carriers have skewed X-inactivation favouring expression of wild type allele (PMID: 26012578). (I) 0115 - Variants in this gene are known to have variable expressivity. It is associated with a phenotypic spectrum and intellectual disability can range from mild to severe (PMID: 26012578, OMIM). (I) 0200 - Variant is predicted to result in a missense amino acid change from isoleucine to valine. (I) 0253 - This variant is hemizygous. (I) 0304 - Variant is present in gnomAD (v2) <0.01 for a recessive condition (3 heterozygotes, 0 homozygotes, 1 hemizygote). (SP) 0503 - Missense variant consistently predicted to be tolerated by multiple in silico tools or not conserved in placental mammals with a minor amino acid change. (SB) 0604 - Variant is not located in an established domain, motif, hotspot or informative constraint region. (I) 0705 - No comparable missense variants have previous evidence for pathogenicity. (I) 0809 - Previous evidence of pathogenicity for this variant is inconclusive. It has been classified a VUS (ClinVar) and it has been reported in an individual with intellectual disability who harboured many other variants, including a nonsense variant in the KDM5C gene which was regarded as the likely cause of the condition (PMID: 26350204). (I) 0905 - No published segregation evidence has been identified for this variant. (I) 1007 - No published functional evidence has been identified for this variant. (I) Legend: (SP) - Supporting pathogenic, (I) - Information, (SB) - Supporting benign

Ambry Genetics
Classification: Uncertain significance for Inborn genetic diseases. Last evaluated: 2021-08-09. Review status: criteria provided, single submitter. Criteria: Ambry Variant Classification Scheme 2023. Collection method: clinical testing. Allele origin: germline.
Comment: The c.667A>G (p.I223V) alteration is located in coding exon 7 of the UPF3B gene. This alteration results from an A to G substitution at nucleotide position 667, causing the isoleucine (I) at amino acid position 223 to be replaced by a valine (V). Based on data from gnomAD, the V allele has an overall frequency of 0.002% (4/179,516) total alleles studied, with 1 hemizygote observed. The highest observed frequency was 0.004% (3/79,387) of European (non-Finnish) alleles. However, this variant is found in a low complexity region. This amino acid position is not well conserved in available vertebrate species. This alteration is predicted to be tolerated by in silico analysis. Based on insufficient or conflicting evidence, the clinical significance of this alteration remains unclear.

Literature cited by the submitters: PubMed 26012578 (cited by Victorian Clinical Genetics Services, Murdoch Childrens Research Institute); PubMed 26350204 (cited by Victorian Clinical Genetics Services, Murdoch Childrens Research Institute).

NM_080632.3(UPF3B):c.667A>G (p.Ile223Val)

Gene: UPF3B (UPF3B regulator of nonsense mediated mRNA decay; minus strand). Cytogenetic location: Xq24.
Variant type: single nucleotide variant.
Coding change: c.667A>G on transcript NM_080632.3 (MANE Select); coding-DNA position 667, A replaced by G.
Protein change: p.Ile223Val; replaces isoleucine 223 with valine.
Molecular consequence: missense variant.
Genome position (GRCh38, 1-based): chrX:119,841,216, T>C on the plus strand (A>G on the coding strand, the complement: UPF3B is on the minus strand). VCF-style: chrX-119841216-T-C. GRCh37 (hg19) VCF-style: chrX-118975179-T-C.
Other names: c.667A>G, p.Ile223Val (NM_023010.4); short protein forms I223V.
Identifiers: ClinVar variation 985848 (VCV000985848.11), dbSNP rs147945173, ClinGen allele CA10503281.
Genomic context (GRCh38, chrX:119,841,216, plus strand): 5'-TTCGTTTCTCTTCTTCTTTCCATTTCCTCCTCTCTTCTTCTCTTTGTCTTTTTCTTTCTA[T>C]TTCTCTCCTCCTCCTTTCTTCTCTCTTTTCTTCTCTCATTCTCTAGAAAGAAACATCAAC-3'
Protein context (NP_542199.1, residues 213-233): EKREERRRRE[Ile223Val]ERKRQREEER